The following is an entry in ClinVar:

ClinVar aggregate classification (germline): Uncertain significance (1 of 4 stars; one submission).

Conditions:
Hereditary cancer-predisposing syndrome. Also called: Neoplastic Syndromes, Hereditary; Tumor predisposition; Hereditary neoplastic syndrome; Hereditary Cancer Syndrome. Identifiers: Orphanet 140162, MedGen C0027672, MeSH D009386, MONDO:0015356.

Submission:

Ambry Genetics
Classification: Uncertain significance for Hereditary cancer-predisposing syndrome. Last evaluated: 2024-05-20. Review status: criteria provided, single submitter. Criteria: Ambry Variant Classification Scheme 2023. Collection method: clinical testing. Allele origin: germline.
Comment: The p.T368I variant (also known as c.1103C>T), located in coding exon 8 of the PTCH1 gene, results from a C to T substitution at nucleotide position 1103. The threonine at codon 368 is replaced by isoleucine, an amino acid with similar properties. This amino acid position is highly conserved in available vertebrate species. In addition, the in silico prediction for this alteration is inconclusive. Based on the available evidence, the clinical significance of this variant remains unclear.

NM_000264.5(PTCH1):c.1103C>T (p.Thr368Ile)

Gene: PTCH1 (patched 1; minus strand). Cytogenetic location: 9q22.32.
Variant type: single nucleotide variant.
Coding change: c.1103C>T on transcript NM_000264.5 (MANE Select); coding-DNA position 1103, C replaced by T.
Protein change: p.Thr368Ile; replaces threonine 368 with isoleucine.
Molecular consequence: missense variant. On other transcripts: non-coding transcript variant (1).
Genome position (GRCh38, 1-based): chr9:95,479,112, G>A on the plus strand (C>T on the coding strand, the complement: PTCH1 is on the minus strand). VCF-style: chr9-95479112-G-A. GRCh37 (hg19) VCF-style: chr9-98241394-G-A.
Other names: c.905C>T, p.Thr302Ile (NM_001083602.3); c.1100C>T, p.Thr367Ile (NM_001083603.3); c.650C>T, p.Thr217Ile (NM_001083604.3, NM_001083605.3, NM_001083606.3 and 1 more transcripts); c.1103C>T, p.Thr368Ile (NM_001354918.2); short protein forms T367I, T302I, T217I, T368I.
Identifiers: ClinVar variation 3311174 (VCV003311174.1).